The following is an entry in ClinVar:

ClinVar aggregate classification (germline): Uncertain significance. Review status: criteria provided, multiple submitters, no conflicts (2 of 4 stars). 3 submissions from 3 submitters: Uncertain significance (3). Last evaluated 2026-01-05.

Conditions:
Hypertrophic cardiomyopathy 9. Also called: Familial hypertrophic cardiomyopathy 9. Identifiers: MedGen C1861065, MONDO:0013412, OMIM 613765.
Tibial muscular dystrophy (TMD). Also called: UDD MYOPATHY; Udd Distal Myopathy – Tibial Muscular Dystrophy; Tibial muscular dystrophy, tardive. Identifiers: Orphanet 609, MedGen C1838244, MONDO:0010870, OMIM 600334.
Early-onset myopathy with fatal cardiomyopathy (CMYO5). Also called: Salih Myopathy; CONGENITAL MYOPATHY 5 WITH CARDIOMYOPATHY. Identifiers: Orphanet 289377, MedGen C2673677, MONDO:0012714, OMIM 611705. Disease mechanism: loss of function.
Myopathy, myofibrillar, 9, with early respiratory failure (MFM9). Also called: MYOPATHY, PROXIMAL, WITH EARLY RESPIRATORY MUSCLE INVOLVEMENT; Hereditary myopathy with early respiratory failure; EDSTROM MYOPATHY; Myopathy, distal, with early respiratory failure, autosomal dominant. Identifiers: Orphanet 178464, Orphanet 34521, MedGen C1863599, MONDO:0011362, OMIM 603689.
Dilated cardiomyopathy 1G (CMD1G). Identifiers: Orphanet 154, MedGen C1858763, MONDO:0011400, OMIM 604145.
Autosomal recessive limb-girdle muscular dystrophy type 2J (LGMDR10). Also called: Limb-girdle muscular dystrophy, type 2J; MUSCULAR DYSTROPHY, LIMB-GIRDLE, AUTOSOMAL RECESSIVE 10. Identifiers: Orphanet 140922, MedGen C1837342, MONDO:0012127, OMIM 608807.

Allele frequency attached by ClinVar (database versions not stated): ExAC 0.00001; gnomAD exomes 0.00001; gnomAD 0.00002; TOPMed 0.00004.
gnomAD v4.1: 6 of 1,610,626 alleles (0.00037%); highest among the groups gnomAD compares: African/African-American, 0.0053%; no homozygotes.

Submissions (3):

Labcorp Genetics (formerly Invitae), Labcorp
Classification: Uncertain significance for Dilated cardiomyopathy 1G; Autosomal recessive limb-girdle muscular dystrophy type 2J. Last evaluated: 2026-01-05. Review status: criteria provided, single submitter. Criteria: Invitae Variant Classification Sherloc (09022015). Collection method: clinical testing. Allele origin: germline.
Comment: This sequence change replaces valine, which is neutral and non-polar, with leucine, which is neutral and non-polar, at codon 34080 of the TTN protein (p.Val34080Leu). This variant is present in population databases (no rsID available, gnomAD 0.01%). This variant has not been reported in the literature in individuals affected with TTN-related conditions. ClinVar contains an entry for this variant (Variation ID: 1042169). Experimental studies and prediction algorithms are not available or were not evaluated, and the functional significance of this variant is currently unknown. This variant is located in the M band of TTN (PMID: 25589632). Non-truncating variants in this region may be relevant for neuromuscular disorders, but have not been definitively shown to cause cardiomyopathy (PMID: 23975875). In summary, the available evidence is currently insufficient to determine the role of this variant in disease. Therefore, it has been classified as a Variant of Uncertain Significance.

GeneDx
Classification: Uncertain significance. Last evaluated: 2022-07-27. Review status: criteria provided, single submitter. Criteria: GeneDx Variant Classification Process June 2021. Collection method: clinical testing. Allele origin: germline. Affected: yes.
Comment: Not observed at significant frequency in large population cohorts (gnomAD); Missense variant in a gene in which most reported pathogenic variants are truncating/loss-of-function; Has not been previously published as pathogenic or benign to our knowledge; This variant is associated with the following publications: (PMID: 23975875)

Fulgent Genetics
Classification: Uncertain significance for Tibial muscular dystrophy; Myopathy, myofibrillar, 9, with early respiratory failure; Dilated cardiomyopathy 1G; Autosomal recessive limb-girdle muscular dystrophy type 2J; Early-onset myopathy with fatal cardiomyopathy; Hypertrophic cardiomyopathy 9. Last evaluated: 2021-09-20. Review status: criteria provided, single submitter. Criteria: ACMG Guidelines, 2015. Collection method: clinical testing. Allele origin: unknown.

Literature cited by the submitters: PubMed 25589632 (cited by Labcorp Genetics (formerly Invitae), Labcorp); PubMed 23975875 (cited by Labcorp Genetics (formerly Invitae), Labcorp).

NM_001267550.2(TTN):c.102238G>C (p.Val34080Leu)

Genes: TTN (titin; minus strand), TTN-AS1 (TTN antisense RNA 1; plus strand). Cytogenetic location: 2q31.2.
Variant type: single nucleotide variant.
Coding change: c.102238G>C on transcript NM_001267550.2 (MANE Select); coding-DNA position 102238, G replaced by C.
Protein change: p.Val34080Leu; replaces valine 34080 with leucine.
Molecular consequence: missense variant.
Genome position (GRCh38, 1-based): chr2:178,534,377, C>G on the plus strand (G>C on the coding strand, the complement: TTN is on the minus strand). VCF-style: chr2-178534377-C-G. GRCh37 (hg19) VCF-style: chr2-179399104-C-G.
Other names: c.75043G>C, p.Val25015Leu (NM_003319.4); c.94534G>C, p.Val31512Leu (NM_133378.4); c.75418G>C, p.Val25140Leu (NM_133432.3); c.75619G>C, p.Val25207Leu (NM_133437.4); c.97315G>C, p.Val32439Leu (NM_001256850.1); short protein forms V25140L, V25207L, V32439L, V34080L, V31512L, V25015L.
Identifiers: ClinVar variation 1042169 (VCV001042169.10), dbSNP rs1467698015, ClinGen allele CA1985785.